The following is an entry in ClinVar:

NM_000827.4(GRIA1):c.1824-1G>A

Gene: GRIA1 (glutamate ionotropic receptor AMPA type subunit 1; plus strand). Cytogenetic location: 5q33.2.
Variant type: single nucleotide variant.
Coding change: c.1824-1G>A on transcript NM_000827.4 (MANE Select); the canonical splice acceptor site of the intron before coding-DNA position 1824, G replaced by A.
Molecular consequence: splice acceptor variant.
Genome position (GRCh38, 1-based): chr5:153,764,433, G>A. VCF-style: chr5-153764433-G-A. GRCh37 (hg19) VCF-style: chr5-153143993-G-A.
Other names: c.1851-1G>A (NM_001364166.2); c.1617-1G>A (NM_001364167.2, NM_001258023.1); c.1539-1G>A (NM_001258020.2); c.1824-1G>A (NM_001114183.2); c.1656-1G>A (NM_001364165.2); c.1584-1G>A (NM_001258019.2); c.1854-1G>A (NM_001258021.2, NM_001258022.2).
Identifiers: ClinVar variation 2630636 (VCV002630636.1), dbSNP rs2480882362, ClinGen allele CA362001925.

ClinVar aggregate classification (germline): Uncertain significance (1 of 4 stars; one submission).

Conditions:
GRIA1-related disorder. Also called: GRIA1-related condition.

Submission:

PreventionGenetics, part of Exact Sciences
Classification: Uncertain significance for GRIA1-related condition. Last evaluated: 2023-02-15. Review status: criteria provided, single submitter. Criteria: ACMG Guidelines, 2015. Collection method: clinical testing. Allele origin: germline.
Comment: The GRIA1 c.1824-1G>A variant is predicted to disrupt the AG splice acceptor site and interfere with normal splicing. To our knowledge, this variant has not been reported in the literature or in a large population database, indicating this variant is rare. At this time, the clinical significance of this variant is uncertain due to the absence of conclusive functional and genetic evidence.